The following is an entry in ClinVar:

NM_000393.5(COL5A2):c.2507G>A (p.Arg836Gln)

Gene: COL5A2 (collagen type V alpha 2 chain; minus strand). Cytogenetic location: 2q32.2.
Variant type: single nucleotide variant.
Coding change: c.2507G>A on transcript NM_000393.5 (MANE Select); coding-DNA position 2507, G replaced by A.
Protein change: p.Arg836Gln; replaces arginine 836 with glutamine.
Molecular consequence: missense variant.
Genome position (GRCh38, 1-based): chr2:189,053,470, C>T on the plus strand (G>A on the coding strand, the complement: COL5A2 is on the minus strand). VCF-style: chr2-189053470-C-T. GRCh37 (hg19) VCF-style: chr2-189918196-C-T.
Other names: c.2507G>A (NM_000393.3); short protein forms R836Q.
Identifiers: ClinVar variation 1400317 (VCV001400317.12), dbSNP rs751683516, ClinGen allele CA2022282.
Genomic context (GRCh38, chr2:189,053,470, plus strand): 5'-TTTGAAAATTATACCTGGGGTCCGGCAAAACCAACAGCTCCAGTTGGCCCATTTTCACCT[C>T]GAGAACCCTAGGAGGAGACAAAGATTACTGTAGCTTTCACACATTATCCTAAACAGGAAC-3'
Protein context (NP_000384.2, residues 826-846): PPGSRGNPGS[Arg836Gln]GENGPTGAVG

ClinVar aggregate classification (germline): Uncertain significance. Review status: criteria provided, multiple submitters, no conflicts (2 of 4 stars). 3 submissions from 3 submitters: Uncertain significance (3). Last evaluated 2025-05-01.

Conditions:
Ehlers-Danlos syndrome, classic type, 1 (EDSCL1). Also called: EHLERS-DANLOS SYNDROME, GRAVIS TYPE; EHLERS-DANLOS SYNDROME, SEVERE CLASSIC TYPE; Ehlers-Danlos syndrome, type 1; Ehlers-Danlos Syndrome, Classic Type, COL5A1-Related; EDS I. Identifiers: MedGen C0268335, MONDO:0019567, OMIM 130000.

gnomAD v4.1: 12 of 1,613,580 alleles (0.00074%); highest among the groups gnomAD compares: African/African-American, 0.0013%; no homozygotes.

Submissions (3):

GeneDx
Classification: Uncertain significance. Last evaluated: 2025-05-01. Review status: criteria provided, single submitter. Criteria: GeneDx Variant Classification Process June 2021. Collection method: clinical testing. Allele origin: germline. Affected: yes.
Comment: Not observed at significant frequency in large population cohorts (gnomAD); In silico analysis supports that this missense variant has a deleterious effect on protein structure/function; Has not been previously published as pathogenic or benign to our knowledge

Labcorp Genetics (formerly Invitae), Labcorp
Classification: Uncertain significance for Ehlers-Danlos syndrome, classic type, 1. Last evaluated: 2025-02-08. Review status: criteria provided, single submitter. Criteria: Invitae Variant Classification Sherloc (09022015). Collection method: clinical testing. Allele origin: germline.
Comment: This sequence change replaces arginine, which is basic and polar, with glutamine, which is neutral and polar, at codon 836 of the COL5A2 protein (p.Arg836Gln). This variant is present in population databases (rs751683516, gnomAD 0.004%). This variant has not been reported in the literature in individuals affected with COL5A2-related conditions. ClinVar contains an entry for this variant (Variation ID: 1400317). Invitae Evidence Modeling of protein sequence and biophysical properties (such as structural, functional, and spatial information, amino acid conservation, physicochemical variation, residue mobility, and thermodynamic stability) indicates that this missense variant is not expected to disrupt COL5A2 protein function with a negative predictive value of 80%. In summary, the available evidence is currently insufficient to determine the role of this variant in disease. Therefore, it has been classified as a Variant of Uncertain Significance.

Clinical Genetics Laboratory, Skane University Hospital Lund
Classification: Uncertain significance. Last evaluated: 2023-09-22. Review status: criteria provided, single submitter. Criteria: ACMG Guidelines, 2015. Collection method: clinical testing. Allele origin: germline. Affected: yes.